The following is an entry in ClinVar:

NM_000246.4(CIITA):c.1517C>T (p.Ala506Val)

Gene: CIITA (class II major histocompatibility complex transactivator; plus strand). Cytogenetic location: 16p13.13.
Variant type: single nucleotide variant.
Coding change: c.1517C>T on transcript NM_000246.4 (MANE Select); coding-DNA position 1517, C replaced by T.
Protein change: p.Ala506Val; replaces alanine 506 with valine.
Molecular consequence: missense variant. On other transcripts: intron variant (1).
Genome position (GRCh38, 1-based): chr16:10,907,009, C>T. VCF-style: chr16-10907009-C-T. GRCh37 (hg19) VCF-style: chr16-11000866-C-T.
Other names: c.1520C>T, p.Ala507Val (NM_001286402.1, NM_001379332.1); c.1373C>T, p.Ala458Val (NM_001379330.1); c.1370C>T, p.Ala457Val (NM_001379331.1); c.1517C>T, p.Ala506Val (NM_001379333.1); c.1448C>T, p.Ala483Val (NM_001379334.1); c.860-1974C>T (NM_001286403.2); short protein forms A506V, A507V, A457V, A458V, A483V.
Identifiers: ClinVar variation 887655 (VCV000887655.5), dbSNP rs200354120, ClinGen allele CA7900155.

ClinVar aggregate classification (germline): Uncertain significance. Review status: criteria provided, multiple submitters, no conflicts (2 of 4 stars). 2 submissions from 2 submitters: Uncertain significance (2). Last evaluated 2022-08-13.

Conditions:
MHC class II deficiency. Also called: Bare lymphocyte syndrome 2; BLS, TYPE II. Identifiers: Orphanet 572, MedGen C5447452, MONDO:0008855.

Allele frequency attached by ClinVar (database versions not stated): ExAC 0.00003; gnomAD exomes 0.00003; TOPMed 0.00004; gnomAD 0.00005 and 0.00006; ESP Exome Variant Server 0.00008.
gnomAD v4.1: 28 of 1,609,458 alleles (0.0017%); highest among the groups gnomAD compares: East Asian, 0.0045%; no homozygotes.

Submissions (2):

Labcorp Genetics (formerly Invitae), Labcorp
Classification: Uncertain significance for MHC class II deficiency. Last evaluated: 2022-08-13. Review status: criteria provided, single submitter. Criteria: Invitae Variant Classification Sherloc (09022015). Collection method: clinical testing. Allele origin: germline.
Comment: This sequence change replaces alanine, which is neutral and non-polar, with valine, which is neutral and non-polar, at codon 506 of the CIITA protein (p.Ala506Val). This variant is present in population databases (rs200354120, gnomAD 0.006%). This variant has not been reported in the literature in individuals affected with CIITA-related conditions. ClinVar contains an entry for this variant (Variation ID: 887655). Algorithms developed to predict the effect of missense changes on protein structure and function (SIFT, PolyPhen-2, Align-GVGD) all suggest that this variant is likely to be tolerated. In summary, the available evidence is currently insufficient to determine the role of this variant in disease. Therefore, it has been classified as a Variant of Uncertain Significance.

Illumina Laboratory Services, Illumina
Classification: Uncertain significance for MHC class II deficiency 1. Last evaluated: 2018-01-12. Review status: criteria provided, single submitter. Criteria: ICSL Variant Classification Criteria 13 December 2019. Collection method: clinical testing. Allele origin: germline.